The following is an entry in ClinVar:

NM_032638.5(GATA2):c.1341C>A (p.Ser447Arg)

Gene: GATA2 (GATA binding protein 2; minus strand). Cytogenetic location: 3q21.3.
Variant type: single nucleotide variant.
Coding change: c.1341C>A on transcript NM_032638.5 (MANE Select); coding-DNA position 1341, C replaced by A.
Protein change: p.Ser447Arg; replaces serine 447 with arginine.
Molecular consequence: missense variant.
Genome position (GRCh38, 1-based): chr3:128,481,121, G>T on the plus strand (C>A on the coding strand, the complement: GATA2 is on the minus strand). VCF-style: chr3-128481121-G-T. GRCh37 (hg19) VCF-style: chr3-128199964-G-T.
Other names: c.1341C>A, p.Ser447Arg (NM_001145661.2); c.1299C>A, p.Ser433Arg (NM_001145662.1); short protein forms S433R, S447R.
Identifiers: ClinVar variation 1184017 (VCV001184017.1), dbSNP rs1338194519, ClinGen allele CA354412703.

ClinVar aggregate classification (germline): Likely pathogenic (1 of 4 stars; one submission).

Conditions:
Deafness-lymphedema-leukemia syndrome. Also called: Emberger syndrome; Lymphedema, primary, with myelodysplasia. Identifiers: Orphanet 3226, MedGen C3279664, MONDO:0013540, OMIM 614038.
GATA2 deficiency with susceptibility to MDS/AML. Identifiers: MedGen CN300066, MONDO:0042982.

Submission:

Molecular Pathology Research Laboratory, SA Pathology
Classification: Likely pathogenic for GATA2 deficiency with susceptibility to MDS/AML; Deafness-lymphedema-leukemia syndrome. Last evaluated: 2021-07-06. Review status: criteria provided, single submitter. Criteria: ACMG Guidelines, 2015. Collection method: curation. Allele origin: unknown. Inheritance: Autosomal dominant inheritance. Affected: yes. Observed: 2 variant alleles.
Comment: PS1, PS4_Moderate, PM2

Literature cited by the submitters: PubMed 26702063.